The following is an entry in ClinVar:

ClinVar aggregate classification (germline): Uncertain significance (1 of 4 stars; one submission).

Conditions:
Cardiovascular phenotype. Identifiers: MedGen CN230736.

Submission:

Ambry Genetics
Classification: Uncertain significance for Cardiovascular phenotype. Last evaluated: 2023-08-13. Review status: criteria provided, single submitter. Criteria: Ambry Variant Classification Scheme 2023. Collection method: clinical testing. Allele origin: germline.
Comment: The p.T160N variant (also known as c.479C>A), located in coding exon 7 of the MYL2 gene, results from a C to A substitution at nucleotide position 479. The threonine at codon 160 is replaced by asparagine, an amino acid with similar properties. This amino acid position is conserved. In addition, the in silico prediction for this alteration is inconclusive. Since supporting evidence is limited at this time, the clinical significance of this alteration remains unclear.

NM_000432.4(MYL2):c.479C>A (p.Thr160Asn)

Gene: MYL2 (myosin light chain 2; minus strand). Cytogenetic location: 12q24.11.
Variant type: single nucleotide variant.
Coding change: c.479C>A on transcript NM_000432.4 (MANE Select); coding-DNA position 479, C replaced by A.
Protein change: p.Thr160Asn; replaces threonine 160 with asparagine.
Molecular consequence: missense variant.
Genome position (GRCh38, 1-based): chr12:110,911,099, G>T on the plus strand (C>A on the coding strand, the complement: MYL2 is on the minus strand). VCF-style: chr12-110911099-G-T. GRCh37 (hg19) VCF-style: chr12-111348903-G-T.
Other names: c.437C>A, p.Thr146Asn (NM_001406745.1, NM_001406746.1); c.422C>A, p.Thr141Asn (NM_001406916.1); short protein forms T141N, T146N, T160N.
Identifiers: ClinVar variation 2587157 (VCV002587157.2), dbSNP rs2071647980, ClinGen allele CA386696725.